The following is an entry in ClinVar:

ClinVar aggregate classification (germline): Uncertain significance (1 of 4 stars; one submission).

Allele frequency attached by ClinVar (database versions not stated): gnomAD exomes below 0.00001; ExAC 0.00001.
gnomAD v4.1: 2 of 1,614,010 alleles (0.00012%); highest among the groups gnomAD compares: South Asian, 0.0011%; no homozygotes.

Submission:

GeneDx
Classification: Uncertain significance. Last evaluated: 2022-11-11. Review status: criteria provided, single submitter. Criteria: GeneDx Variant Classification Process June 2021. Collection method: clinical testing. Allele origin: germline. Affected: yes.
Comment: In silico analysis supports that this missense variant has a deleterious effect on protein structure/function; Has not been previously published as pathogenic or benign to our knowledge

NM_016148.5(SHANK1):c.892G>A (p.Glu298Lys)

Gene: SHANK1 (SH3 and multiple ankyrin repeat domains 1; minus strand). Cytogenetic location: 19q13.33.
Variant type: single nucleotide variant.
Coding change: c.892G>A on transcript NM_016148.5 (MANE Select); coding-DNA position 892, G replaced by A.
Protein change: p.Glu298Lys; replaces glutamic acid 298 with lysine.
Molecular consequence: missense variant.
Genome position (GRCh38, 1-based): chr19:50,712,015, C>T on the plus strand (G>A on the coding strand, the complement: SHANK1 is on the minus strand). VCF-style: chr19-50712015-C-T. GRCh37 (hg19) VCF-style: chr19-51215272-C-T.
Other names: short protein forms E298K.
Identifiers: ClinVar variation 2502058 (VCV002502058.1), dbSNP rs753185548, ClinGen allele CA9602039.